The following is an entry in ClinVar:

NM_004204.5(PIGQ):c.559C>T (p.Arg187Trp)

Gene: PIGQ (phosphatidylinositol glycan anchor biosynthesis class Q; plus strand). Cytogenetic location: 16p13.3.
Variant type: single nucleotide variant.
Coding change: c.559C>T on transcript NM_004204.5 (MANE Select); coding-DNA position 559, C replaced by T.
Protein change: p.Arg187Trp; replaces arginine 187 with tryptophan.
Molecular consequence: missense variant.
Genome position (GRCh38, 1-based): chr16:574,633, C>T. VCF-style: chr16-574633-C-T. GRCh37 (hg19) VCF-style: chr16-624633-C-T.
Other names: c.559C>T, p.Arg187Trp (NM_148920.4); short protein forms R187W.
Identifiers: ClinVar variation 1353764 (VCV001353764.4), dbSNP rs778834598, ClinGen allele CA7779907.

ClinVar aggregate classification (germline): Uncertain significance. Review status: criteria provided, multiple submitters, no conflicts (2 of 4 stars). 2 submissions from 2 submitters: Uncertain significance (2). Last evaluated 2021-09-10.

Conditions:
Epilepsy. Also called: Seizure disorder. Identifiers: MedGen C0014544, MeSH D004827, MONDO:0005027.

Allele frequency attached by ClinVar (database versions not stated): ExAC 0.00001; gnomAD exomes 0.00001; TOPMed 0.00001.
gnomAD v4.1: 15 of 1,606,928 alleles (0.00093%); highest among the groups gnomAD compares: East Asian, 0.0045%; no homozygotes.

Submissions (2):

Labcorp Genetics (formerly Invitae), Labcorp
Classification: Uncertain significance for Epilepsy. Last evaluated: 2021-09-10. Review status: criteria provided, single submitter. Criteria: Invitae Variant Classification Sherloc (09022015). Collection method: clinical testing. Allele origin: germline.
Comment: This sequence change replaces arginine with tryptophan at codon 187 of the PIGQ protein (p.Arg187Trp). The arginine residue is weakly conserved and there is a moderate physicochemical difference between arginine and tryptophan. This variant is present in population databases (rs778834598, ExAC 0.02%). This variant has not been reported in the literature in individuals affected with PIGQ-related conditions. Algorithms developed to predict the effect of missense changes on protein structure and function are either unavailable or do not agree on the potential impact of this missense change (SIFT: "Deleterious"; PolyPhen-2: "Probably Damaging"; Align-GVGD: "Class C0"). In summary, the available evidence is currently insufficient to determine the role of this variant in disease. Therefore, it has been classified as a Variant of Uncertain Significance.

Blueprint Genetics
Classification: Uncertain significance. Last evaluated: 2020-02-07. Review status: criteria provided, single submitter. Criteria: ACMG Guidelines, 2015. Collection method: clinical testing. Allele origin: germline.